The following is an entry in ClinVar:

NM_001320752.2(STS):c.138G>A (p.Arg46=)

Gene: STS (steroid sulfatase; plus strand). Cytogenetic location: Xp22.31.
Variant type: single nucleotide variant.
Coding change: c.138G>A on transcript NM_001320752.2 (MANE Select); coding-DNA position 138, G replaced by A.
Protein change: p.Arg46=; no amino-acid change (arginine 46 retained).
Molecular consequence: synonymous variant.
Genome position (GRCh38, 1-based): chrX:7,257,242, G>A. VCF-style: chrX-7257242-G-A. GRCh37 (hg19) VCF-style: chrX-7175283-G-A.
Other names: c.138G>A, p.Arg46= (NM_000351.7, NM_001320753.2, NM_001320754.2); c.174G>A, p.Arg58= (NM_001320750.3, NM_001320751.2); c.153G>A (NM_000351.5).
Identifiers: ClinVar variation 790526 (VCV000790526.5), dbSNP rs150111371, ClinGen allele CA10341921.
Genomic context (GRCh38, chrX:7,257,242, plus strand): 5'-AACTAAATACATGAACAATAAATGAAAATGATCACAAATGCTATGATTCTTTTGTTCTAG[G>A]ACTCCCAATATCGACCGGTTGGCCAGTGGGGGAGTGAAACTCACTCAGCACCTGGCAGCA-3'
Protein context (NP_001307681.2, residues 36-56): DPGCYGNKTI[Arg46=]TPNIDRLASG

ClinVar aggregate classification (germline): Benign. Review status: criteria provided, single submitter (1 of 4 stars). 2 submissions from 2 submitters: Benign (1). 1 of the submissions does not count toward it. Last evaluated 2018-06-26.

Conditions:
STS-related disorder. Also called: STS-related condition.

Allele frequency attached by ClinVar (database versions not stated): gnomAD exomes 0.00007 and 0.00020; ESP Exome Variant Server 0.00019; ExAC 0.00022; gnomAD 0.00032 and 0.00039; TOPMed 0.00035; 1000 Genomes Project 30x 0.00042; 1000 Genomes Project 0.00053.
gnomAD v4.1: 126 of 1,209,380 alleles (0.01%); highest among the groups gnomAD compares: African/African-American, 0.14%; 1 homozygote.

Submissions (2):

Labcorp Genetics (formerly Invitae), Labcorp
Classification: Benign. Last evaluated: 2018-06-26. Review status: criteria provided, single submitter. Criteria: Invitae Variant Classification Sherloc (09022015). Collection method: clinical testing. Allele origin: germline.

PreventionGenetics, part of Exact Sciences
Classification: Likely benign for STS-related condition. Last evaluated: 2019-07-16. Review status: no assertion criteria provided. Collection method: clinical testing. Allele origin: germline. Not counted in ClinVar's aggregate classification.
Comment: This variant is classified as likely benign based on ACMG/AMP sequence variant interpretation guidelines (Richards et al. 2015 PMID: 25741868, with internal and published modifications).